The following is an entry in ClinVar:

NM_007186.6(CEP250):c.3272A>G (p.Glu1091Gly)

Gene: CEP250 (centrosomal protein 250; plus strand). Cytogenetic location: 20q11.22.
Variant type: single nucleotide variant.
Coding change: c.3272A>G on transcript NM_007186.6 (MANE Select); coding-DNA position 3272, A replaced by G.
Protein change: p.Glu1091Gly; replaces glutamic acid 1091 with glycine.
Molecular consequence: missense variant.
Genome position (GRCh38, 1-based): chr20:35,496,681, A>G. VCF-style: chr20-35496681-A-G. GRCh37 (hg19) VCF-style: chr20-34084510-A-G.
Other names: c.1376A>G, p.Glu459Gly (NM_001318219.1); short protein forms E1091G, E459G.
Identifiers: ClinVar variation 1488890 (VCV001488890.8), dbSNP rs763959807, ClinGen allele CA9833437.
Genomic context (GRCh38, chr20:35,496,681, plus strand): 5'-TACAAGAAGCTGACTCTATTCGACAACAAGAGCTGAGTGCCCTGCGCCAGGACATGCAGG[A>G]GGCCCAGGGAGAACAGAAAGAGCTCAGTGCTCAGGTACTTCCCACTCTGGTTATGAGCTC-3'
Protein context (NP_009117.2, residues 1081-1101): ELSALRQDMQ[Glu1091Gly]AQGEQKELSA

ClinVar aggregate classification (germline): Uncertain significance (1 of 4 stars; one submission).

Allele frequency attached by ClinVar (database versions not stated): ExAC 0.00001.

Submission:

Labcorp Genetics (formerly Invitae), Labcorp
Classification: Uncertain significance. Last evaluated: 2022-07-12. Review status: criteria provided, single submitter. Criteria: Invitae Variant Classification Sherloc (09022015). Collection method: clinical testing. Allele origin: germline.
Comment: In summary, the available evidence is currently insufficient to determine the role of this variant in disease. Therefore, it has been classified as a Variant of Uncertain Significance. Algorithms developed to predict the effect of missense changes on protein structure and function are either unavailable or do not agree on the potential impact of this missense change (SIFT: "Not Available"; PolyPhen-2: "Possibly Damaging"; Align-GVGD: "Not Available"). ClinVar contains an entry for this variant (Variation ID: 1488890). This variant has not been reported in the literature in individuals affected with CEP250-related conditions. This variant is not present in population databases (gnomAD no frequency). This sequence change replaces glutamic acid, which is acidic and polar, with glycine, which is neutral and non-polar, at codon 1091 of the CEP250 protein (p.Glu1091Gly).